The following is an entry in ClinVar:

NM_020821.3(VPS13C):c.7382dup (p.Asn2461fs)

Gene: VPS13C (vacuolar protein sorting 13 homolog C; minus strand). Cytogenetic location: 15q22.2.
Variant type: Duplication.
Coding change: c.7382dup on transcript NM_020821.3 (MANE Select); coding-DNA position 7382, one base duplicated (A; older notation c.7382dupA).
Protein change: p.Asn2461fs; shifts the reading frame from asparagine 2461.
Molecular consequence: frameshift variant.
Genome position (GRCh38, 1-based): chr15:61,920,162, T duplicated on the plus strand (A on the coding strand, the reverse complement: VPS13C is on the minus strand); the first of 2 consecutive T bases (chr15:61,920,162-61,920,163); duplicating either gives the same sequence. VCF-style (leftmost placement, unchanged base first): chr15-61920161-A-AT. GRCh37 (hg19) VCF-style: chr15-62212360-A-AT.
Other names: p.Asn2461Lysfs*54; c.7382dup, p.Asn2461fs (NM_001018088.3); c.7253dup, p.Asn2418fs (NM_017684.5, NM_018080.4); short protein forms N2418fs, N2461fs.
Identifiers: ClinVar variation 1965239 (VCV001965239.6), dbSNP rs1315150327, ClinGen allele CA618507045.
Genomic context (GRCh38, chr15:61,920,161, plus strand): 5'-GCTCAATATAGATAGGTTCCCTTGACTTGAAGGTACCATGCTGGCATACTCCAGTTCCAA[A>AT]TTCTGGCCAGCATCAACATCAAAAATATCACTTTTCTCAGGGAAGCCCATTACTCTGAGA-3'

ClinVar aggregate classification (germline): Pathogenic/Likely pathogenic. Review status: criteria provided, multiple submitters, no conflicts (2 of 4 stars). 2 submissions from 2 submitters: Pathogenic (1); Likely pathogenic (1). Last evaluated 2024-01-08.

Submissions (2):

Labcorp Genetics (formerly Invitae), Labcorp
Classification: Pathogenic. Last evaluated: 2024-01-08. Review status: criteria provided, single submitter. Criteria: Invitae Variant Classification Sherloc (09022015). Collection method: clinical testing. Allele origin: germline.
Comment: This sequence change creates a premature translational stop signal (p.Asn2461Lysfs*54) in the VPS13C gene. It is expected to result in an absent or disrupted protein product. Loss-of-function variants in VPS13C are known to be pathogenic (PMID: 26942284, 34875562). This variant is present in population databases (no rsID available, gnomAD 0.002%). This premature translational stop signal has been observed in individual(s) with clinical features of Parkinson disease (Invitae). ClinVar contains an entry for this variant (Variation ID: 1965239). For these reasons, this variant has been classified as Pathogenic.

Mayo Clinic Laboratories, Mayo Clinic
Classification: Likely pathogenic. Last evaluated: 2023-07-05. Review status: criteria provided, single submitter. Criteria: ACMG Guidelines, 2015. Collection method: clinical testing. Allele origin: germline. Observed: 1 variant allele.
Comment: PM2_moderate, PVS1

Literature cited by the submitters: PubMed 26942284 (cited by Labcorp Genetics (formerly Invitae), Labcorp); PubMed 34875562 (cited by Labcorp Genetics (formerly Invitae), Labcorp).